The following is an entry in ClinVar:

ClinVar aggregate classification (germline): Uncertain significance. Review status: criteria provided, multiple submitters, no conflicts (2 of 4 stars). 2 submissions from 2 submitters: Uncertain significance (2). Last evaluated 2025-03-09.

Conditions:
Fanconi anemia complementation group J. Also called: BRIP1-Related Fanconi Anemia. Identifiers: Orphanet 84, MedGen C1836860, MONDO:0012187, OMIM 609054.
Familial cancer of breast. Also called: BREAST CANCER, FAMILIAL; Hereditary breast cancer; hereditary breast carcinoma. Identifiers: Orphanet 227535, MedGen C0346153, MONDO:0016419, OMIM 114480. Disease mechanism: loss of function.
Hereditary cancer-predisposing syndrome. Also called: Hereditary neoplastic syndrome; Neoplastic Syndromes, Hereditary; Tumor predisposition; Hereditary Cancer Syndrome. Identifiers: Orphanet 140162, MedGen C0027672, MeSH D009386, MONDO:0015356.

Allele frequency attached by ClinVar (database versions not stated): TOPMed below 0.00001.

Submissions (2):

Labcorp Genetics (formerly Invitae), Labcorp
Classification: Uncertain significance for Familial cancer of breast; Fanconi anemia complementation group J. Last evaluated: 2025-03-09. Review status: criteria provided, single submitter. Criteria: Invitae Variant Classification Sherloc (09022015). Collection method: clinical testing. Allele origin: germline.
Comment: This sequence change replaces serine, which is neutral and polar, with asparagine, which is neutral and polar, at codon 542 of the BRIP1 protein (p.Ser542Asn). This variant is not present in population databases (gnomAD no frequency). This variant has not been reported in the literature in individuals affected with BRIP1-related conditions. ClinVar contains an entry for this variant (Variation ID: 485451). Invitae Evidence Modeling of protein sequence and biophysical properties (such as structural, functional, and spatial information, amino acid conservation, physicochemical variation, residue mobility, and thermodynamic stability) indicates that this missense variant is not expected to disrupt BRIP1 protein function with a negative predictive value of 95%. In summary, the available evidence is currently insufficient to determine the role of this variant in disease. Therefore, it has been classified as a Variant of Uncertain Significance.

Ambry Genetics
Classification: Uncertain significance for Hereditary cancer-predisposing syndrome. Last evaluated: 2023-05-08. Review status: criteria provided, single submitter. Criteria: Ambry Variant Classification Scheme 2023. Collection method: clinical testing. Allele origin: germline.
Comment: The p.S542N variant (also known as c.1625G>A), located in coding exon 10 of the BRIP1 gene, results from a G to A substitution at nucleotide position 1625. The serine at codon 542 is replaced by asparagine, an amino acid with highly similar properties. This amino acid position is not well conserved in available vertebrate species. In addition, this alteration is predicted to be tolerated by in silico analysis. Since supporting evidence is limited at this time, the clinical significance of this alteration remains unclear.

NM_032043.3(BRIP1):c.1625G>A (p.Ser542Asn)

Gene: BRIP1 (BRCA1 interacting DNA helicase 1; minus strand). Cytogenetic location: 17q23.2.
Variant type: single nucleotide variant.
Coding change: c.1625G>A on transcript NM_032043.3 (MANE Select); coding-DNA position 1625, G replaced by A.
Protein change: p.Ser542Asn; replaces serine 542 with asparagine.
Molecular consequence: missense variant.
Genome position (GRCh38, 1-based): chr17:61,784,273, C>T on the plus strand (G>A on the coding strand, the complement: BRIP1 is on the minus strand). VCF-style: chr17-61784273-C-T. GRCh37 (hg19) VCF-style: chr17-59861634-C-T.
Other names: short protein forms S542N.
Identifiers: ClinVar variation 485451 (VCV000485451.7), dbSNP rs1193170320, ClinGen allele CA400480865.
Genomic context (GRCh38, chr17:61,784,273, plus strand): 5'-AGCATCCAAATTAGGCTATTTTTAAAAGGAAAATACATACTAGTTATCTTCACTTACCTG[C>T]TATTTTGCCTAAAAAGATAGTCAAGTACCATAAAAAGTCCTTTAAGCATTATTTGAGTTG-3'
Protein context (NP_114432.2, residues 532-552): MVLDYLFRQN[Ser542Asn]RFADDYKIAI